The following is an entry in ClinVar:

ClinVar aggregate classification (germline): Uncertain significance (1 of 4 stars; one submission).

Allele frequency attached by ClinVar (database versions not stated): gnomAD exomes below 0.00001; gnomAD 0.00004; TOPMed 0.00004.
gnomAD v4.1: 9 of 1,614,042 alleles (0.00056%); highest among the groups gnomAD compares: African/African-American, 0.008%; no homozygotes.

Submission:

Labcorp Genetics (formerly Invitae), Labcorp
Classification: Uncertain significance. Last evaluated: 2024-07-09. Review status: criteria provided, single submitter. Criteria: Invitae Variant Classification Sherloc (09022015). Collection method: clinical testing. Allele origin: germline.
Comment: This sequence change replaces phenylalanine, which is neutral and non-polar, with leucine, which is neutral and non-polar, at codon 9 of the EMC1 protein (p.Phe9Leu). The frequency data for this variant in the population databases is considered unreliable, as metrics indicate poor data quality at this position in the gnomAD database. This variant has not been reported in the literature in individuals affected with EMC1-related conditions. ClinVar contains an entry for this variant (Variation ID: 1007729). Advanced modeling of protein sequence and biophysical properties (such as structural, functional, and spatial information, amino acid conservation, physicochemical variation, residue mobility, and thermodynamic stability) performed at Invitae indicates that this missense variant is not expected to disrupt EMC1 protein function with a negative predictive value of 80%. In summary, the available evidence is currently insufficient to determine the role of this variant in disease. Therefore, it has been classified as a Variant of Uncertain Significance.

NM_015047.3(EMC1):c.27C>G (p.Phe9Leu)

Gene: EMC1 (ER membrane protein complex subunit 1; minus strand). Cytogenetic location: 1p36.13.
Variant type: single nucleotide variant.
Coding change: c.27C>G on transcript NM_015047.3 (MANE Select); coding-DNA position 27, C replaced by G.
Protein change: p.Phe9Leu; replaces phenylalanine 9 with leucine.
Molecular consequence: missense variant.
Genome position (GRCh38, 1-based): chr1:19,251,483, G>C on the plus strand (C>G on the coding strand, the complement: EMC1 is on the minus strand). VCF-style: chr1-19251483-G-C. GRCh37 (hg19) VCF-style: chr1-19577977-G-C.
Other names: c.27C>G, p.Phe9Leu (NM_001271427.2, NM_001271428.2, NM_001271429.2 and 2 more transcripts); short protein forms F9L.
Identifiers: ClinVar variation 1007729 (VCV001007729.8), dbSNP rs911411745, ClinGen allele CA18827893.
Genomic context (GRCh38, chr1:19,251,483, plus strand): 5'-CTTGCCCACTTGGTCTTCGTAGACCGCGGCCGCAGGAATCAGCAGCGTAGCCCAAAGCCA[G>C]AAACGAGAAGCCCACTCAGCCGCCATGATGCGAGCGCATGCACCACCCACCGCCGTCCCG-3'
Protein context (NP_055862.1, residues 1-19): MAAEWASR[Phe9Leu]WLWATLLIPA